The following is an entry in ClinVar:

NM_000368.5(TSC1):c.2234A>G (p.Lys745Arg)

Gene: TSC1 (TSC complex subunit 1; minus strand). Cytogenetic location: 9q34.13.
Variant type: single nucleotide variant.
Coding change: c.2234A>G on transcript NM_000368.5 (MANE Select); coding-DNA position 2234, A replaced by G.
Protein change: p.Lys745Arg; replaces lysine 745 with arginine.
Molecular consequence: missense variant.
Genome position (GRCh38, 1-based): chr9:132,902,762, T>C on the plus strand (A>G on the coding strand, the complement: TSC1 is on the minus strand). VCF-style: chr9-132902762-T-C. GRCh37 (hg19) VCF-style: chr9-135778149-T-C.
Other names: c.2078A>G, p.Lys693Arg (NM_001406611.1, NM_001406612.1, NM_001406613.1); c.1871A>G, p.Lys624Arg (NM_001406614.1, NM_001406615.1, NM_001406616.1 and 5 more transcripts); c.1868A>G, p.Lys623Arg (NM_001406620.1, NM_001406621.1, NM_001406622.1 and 2 more transcripts); c.2231A>G, p.Lys744Arg (NM_001162426.2, NM_001406597.1, NM_001406598.1 and 4 more transcripts); c.2081A>G, p.Lys694Arg (NM_001162427.2, NM_001406610.1); c.2234A>G, p.Lys745Arg (NM_001406592.1, NM_001406593.1, NM_001406594.1 and 5 more transcripts); c.2219A>G, p.Lys740Arg (NM_001406601.1, NM_001406602.1); c.2216A>G, p.Lys739Arg (NM_001406603.1, NM_001406604.1); and 3 more; short protein forms K745R, K394R, K623R, K624R, K693R, K427R, K428R, K694R.
Identifiers: ClinVar variation 2039688 (VCV002039688.7), dbSNP rs2131740538, ClinGen allele CA375360004.

ClinVar aggregate classification (germline): Conflicting classifications of pathogenicity. Review status: criteria provided, conflicting classifications (1 of 4 stars). 3 submissions from 3 submitters: Uncertain significance (2); Likely benign (1). Last evaluated 2026-07-07.

Conditions:
Isolated focal cortical dysplasia type II (FCORD2). Also called: CORTICAL DYSPLASIA OF TAYLOR; Focal cortical dysplasia type II. Identifiers: Orphanet 268994, MedGen C1846385, MONDO:0011818, OMIM 607341, HP:0032051.
Tuberous sclerosis 1 (TSC1). Identifiers: Orphanet 805, MedGen C1854465, MONDO:0008612, OMIM 191100.
Lymphangiomyomatosis (LAM). Also called: Lymphangioleiomyomatosis, somatic; Lymphangioleiomyomatosis. Identifiers: Orphanet 538, MedGen C0751674, MONDO:0011705, OMIM 606690.
Hereditary cancer-predisposing syndrome. Also called: Hereditary neoplastic syndrome; Neoplastic Syndromes, Hereditary; Tumor predisposition; Hereditary Cancer Syndrome. Identifiers: Orphanet 140162, MedGen C0027672, MeSH D009386, MONDO:0015356.

Submissions (3):

Ambry Genetics
Classification: Uncertain significance for Hereditary cancer-predisposing syndrome. Last evaluated: 2026-07-07. Review status: criteria provided, single submitter. Criteria: Ambry Variant Classification Scheme 2023. Collection method: clinical testing. Allele origin: germline.
Comment: The p.K745R variant (also known as c.2234A>G), located in coding exon 16 of the TSC1 gene, results from an A to G substitution at nucleotide position 2234. The lysine at codon 745 is replaced by arginine, an amino acid with highly similar properties. This amino acid position is conserved. In addition, this alteration is predicted to be tolerated by in silico analysis. Based on the available evidence, the clinical significance of this variant remains unclear.

Labcorp Genetics (formerly Invitae), Labcorp
Classification: Uncertain significance for Tuberous sclerosis 1. Last evaluated: 2024-11-09. Review status: criteria provided, single submitter. Criteria: Invitae Variant Classification Sherloc (09022015). Collection method: clinical testing. Allele origin: germline.
Comment: This sequence change replaces lysine, which is basic and polar, with arginine, which is basic and polar, at codon 745 of the TSC1 protein (p.Lys745Arg). This variant is not present in population databases (gnomAD no frequency). This variant has not been reported in the literature in individuals affected with TSC1-related conditions. ClinVar contains an entry for this variant (Variation ID: 2039688). Invitae Evidence Modeling of protein sequence and biophysical properties (such as structural, functional, and spatial information, amino acid conservation, physicochemical variation, residue mobility, and thermodynamic stability) indicates that this missense variant is not expected to disrupt TSC1 protein function with a negative predictive value of 95%. In summary, the available evidence is currently insufficient to determine the role of this variant in disease. Therefore, it has been classified as a Variant of Uncertain Significance.

3billion
Classification: Likely benign for Isolated focal cortical dysplasia type II; Lymphangiomyomatosis; Tuberous sclerosis 1. Last evaluated: 2024-09-20. Review status: criteria provided, single submitter. Criteria: ACMG Guidelines, 2015. Collection method: clinical testing. Allele origin: germline. Affected: no.
Comment: The variant was identified in at least one patient who was diagnosed with a different variant in another gene and showed no symptoms related to the gene containing the variant in question.